The following is an entry in ClinVar:

ClinVar aggregate classification (germline): Pathogenic (1 of 4 stars; one submission).

Conditions:
Neurofibromatosis, type 1 (NF1). Also called: VON RECKLINGHAUSEN DISEASE; NEUROFIBROMATOSIS, TYPE I, SOMATIC; Peripheral type neurofibromatosis; Neurofibromatosis, type I. Identifiers: Orphanet 636, MedGen C0027831, MONDO:0018975, OMIM 162200. Disease mechanism: loss of function.

Submission:

Myriad Genetics, Inc.
Classification: Pathogenic for Neurofibromatosis, type 1. Last evaluated: 2026-09-09. Review status: criteria provided, single submitter. Criteria: Myriad Autosomal Dominant, Autosomal Recessive and X-Linked Classification Criteria (2023). Collection method: clinical testing. Allele origin: unknown.
Comment: This variant is considered pathogenic. This variant creates a frameshift predicted to result in premature protein truncation.

NM_001042492.3(NF1):c.2834_2835dup (p.Asp946fs)

Gene: NF1 (neurofibromin 1; plus strand). Cytogenetic location: 17q11.2.
Variant type: Duplication.
Coding change: c.2834_2835dup on transcript NM_001042492.3 (MANE Select); coding-DNA positions 2834 to 2835, 2 bases duplicated (TT; older notation c.2834_2835dupTT).
Protein change: p.Asp946fs; shifts the reading frame from aspartic acid 946.
Molecular consequence: frameshift variant.
Genome position (GRCh38, 1-based): chr17:31,229,449-31,229,450, TT duplicated; duplicating any 2 consecutive bases within chr17:31,229,445-31,229,450 gives the same sequence; the c. name uses the placement nearest the transcript's 3' end. VCF-style (leftmost placement, unchanged base first): chr17-31229444-G-GTT. GRCh37 (hg19) VCF-style: chr17-29556462-G-GTT.
Other names: c.2834_2835dup, p.Asp946fs (NM_000267.4); short protein forms D946fs.
Identifiers: ClinVar variation 5042284 (VCV005042284.1).